The following is an entry in ClinVar:

ClinVar aggregate classification (germline): Uncertain significance (0 of 4 stars; one submission).

Conditions:
SEMA3B-related disorder. Also called: SEMA3B-related condition.

gnomAD v4.1: 1 of 1,596,074 alleles (0.000063%); highest among the groups gnomAD compares: Non-Finnish European, 0.000085%; no homozygotes.

Submission:

PreventionGenetics, part of Exact Sciences
Classification: Uncertain significance for SEMA3B-related condition. Last evaluated: 2023-12-19. Review status: no assertion criteria provided. Collection method: clinical testing. Allele origin: germline.
Comment: The SEMA3B c.1604G>A variant is predicted to result in the amino acid substitution p.Arg535His. To our knowledge, this variant has not been reported in the literature or in a large population database, indicating this variant is rare. At this time, the clinical significance of this variant is uncertain due to the absence of conclusive functional and genetic evidence.

NM_001290060.2(SEMA3B):c.1589G>A (p.Arg530His)

Gene: SEMA3B (semaphorin 3B; plus strand). Cytogenetic location: 3p21.31.
Variant type: single nucleotide variant.
Coding change: c.1589G>A on transcript NM_001290060.2 (MANE Select); coding-DNA position 1589, G replaced by A.
Protein change: p.Arg530His; replaces arginine 530 with histidine.
Molecular consequence: missense variant.
Genome position (GRCh38, 1-based): chr3:50,275,399, G>A. VCF-style: chr3-50275399-G-A. GRCh37 (hg19) VCF-style: chr3-50312830-G-A.
Other names: c.1586G>A, p.Arg529His (NM_001005914.3); c.1604G>A, p.Arg535His (NM_001290061.1); c.560G>A, p.Arg187His (NM_001290062.2, NM_001290063.2); c.1589G>A, p.Arg530His (NM_004636.4); short protein forms R187H, R529H, R530H, R535H.
Identifiers: ClinVar variation 3356502 (VCV003356502.1).